The following is an entry in ClinVar:

NM_006922.4(SCN3A):c.2108A>G (p.Gln703Arg)

Gene: SCN3A (sodium voltage-gated channel alpha subunit 3; minus strand). Cytogenetic location: 2q24.3.
Variant type: single nucleotide variant.
Coding change: c.2108A>G on transcript NM_006922.4 (MANE Select); coding-DNA position 2108, A replaced by G.
Protein change: p.Gln703Arg; replaces glutamine 703 with arginine.
Molecular consequence: missense variant.
Genome position (GRCh38, 1-based): chr2:165,139,520, T>C on the plus strand (A>G on the coding strand, the complement: SCN3A is on the minus strand). VCF-style: chr2-165139520-T-C. GRCh37 (hg19) VCF-style: chr2-165996030-T-C.
Other names: c.1961A>G, p.Gln654Arg (NM_001081676.2, NM_001081677.2); short protein forms Q703R, Q654R.
Identifiers: ClinVar variation 1521849 (VCV001521849.8), dbSNP rs1206384329, ClinGen allele CA349045598.

ClinVar aggregate classification (germline): Uncertain significance (1 of 4 stars; one submission).

Allele frequency attached by ClinVar (database versions not stated): gnomAD 0.00001; TOPMed 0.00001.
gnomAD v4.1: 3 of 1,613,910 alleles (0.00019%); highest among the groups gnomAD compares: East Asian, 0.0067%; no homozygotes.

Submission:

Labcorp Genetics (formerly Invitae), Labcorp
Classification: Uncertain significance. Last evaluated: 2023-05-15. Review status: criteria provided, single submitter. Criteria: Invitae Variant Classification Sherloc (09022015). Collection method: clinical testing. Allele origin: germline.
Comment: In summary, the available evidence is currently insufficient to determine the role of this variant in disease. Therefore, it has been classified as a Variant of Uncertain Significance. Advanced modeling of protein sequence and biophysical properties (such as structural, functional, and spatial information, amino acid conservation, physicochemical variation, residue mobility, and thermodynamic stability) performed at Invitae indicates that this missense variant is not expected to disrupt SCN3A protein function. ClinVar contains an entry for this variant (Variation ID: 1521849). This variant has not been reported in the literature in individuals affected with SCN3A-related conditions. This variant is present in population databases (no rsID available, gnomAD 0.02%). This sequence change replaces glutamine, which is neutral and polar, with arginine, which is basic and polar, at codon 703 of the SCN3A protein (p.Gln703Arg).